The following is an entry in ClinVar:

NM_000264.5(PTCH1):c.1961C>T (p.Thr654Met)

Genes: PTCH1 (patched 1; minus strand), LOC100507346 (uncharacterized LOC100507346; plus strand). Cytogenetic location: 9q22.32.
Variant type: single nucleotide variant.
Coding change: c.1961C>T on transcript NM_000264.5 (MANE Select); coding-DNA position 1961, C replaced by T.
Protein change: p.Thr654Met; replaces threonine 654 with methionine.
Molecular consequence: missense variant. On other transcripts: non-coding transcript variant (2).
Genome position (GRCh38, 1-based): chr9:95,469,040, G>A on the plus strand (C>T on the coding strand, the complement: PTCH1 is on the minus strand). VCF-style: chr9-95469040-G-A. GRCh37 (hg19) VCF-style: chr9-98231322-G-A.
Other names: c.1763C>T, p.Thr588Met (NM_001083602.3); c.1958C>T, p.Thr653Met (NM_001083603.3); c.1508C>T, p.Thr503Met (NM_001083604.3, NM_001083605.3, NM_001083606.3 and 1 more transcripts); c.1805C>T, p.Thr602Met (NM_001354918.2); short protein forms T588M, T654M, T503M, T653M, T602M.
Identifiers: ClinVar variation 575727 (VCV000575727.17), dbSNP rs746898855, ClinGen allele CA5138476.
Genomic context (GRCh38, chr9:95,469,040, plus strand): 5'-ACGTGCGTGTGGGGGTCGTACTCCGTGCGGAGCTGGACAGTGGACTGCATGGTAATCTGC[G>A]TTTCATGGGCAAAGCTGTGGCTGCTGTAGGGAGGTGGGGGGCTGTAGCGGGTATTGTCGT-3'
Protein context (NP_000255.2, residues 644-664): PYSSHSFAHE[Thr654Met]QITMQSTVQL

ClinVar aggregate classification (germline): Conflicting classifications of pathogenicity. Review status: criteria provided, conflicting classifications (1 of 4 stars). 4 submissions from 4 submitters: Uncertain significance (3); Likely benign (1). Last evaluated 2026-07-15.

Conditions:
Hereditary cancer-predisposing syndrome. Also called: Neoplastic Syndromes, Hereditary; Tumor predisposition; Hereditary Cancer Syndrome; Hereditary neoplastic syndrome. Identifiers: Orphanet 140162, MedGen C0027672, MeSH D009386, MONDO:0015356.
PTCH1-related disorder. Also called: PTCH1-related disorders; PTCH1-related condition.
Basal cell carcinoma, susceptibility to, 1. Also called: BCC1. Identifiers: MedGen C2751544, MONDO:0011556, OMIM 605462.
Gorlin syndrome. Also called: Basal cell nevus syndrome; Nevoid Basal Cell Carcinoma Syndrome. Identifiers: Orphanet 377, MedGen C0004779, MONDO:0007187.

Allele frequency attached by ClinVar (database versions not stated): gnomAD exomes below 0.00001; ExAC 0.00001; gnomAD 0.00001; TOPMed 0.00001.
gnomAD v4.1: 9 of 1,613,942 alleles (0.00056%); highest among the groups gnomAD compares: East Asian, 0.0045%; no homozygotes.

Submissions (4):

PreventionGenetics, part of Exact Sciences
Classification: Uncertain significance for PTCH1-related condition. Last evaluated: 2026-07-15. Review status: criteria provided, single submitter. Criteria: ACMG Guidelines, 2015. Collection method: clinical testing. Allele origin: germline.
Comment: The PTCH1 c.1961C>T variant is predicted to result in the amino acid substitution p.Thr654Met. To our knowledge, this variant has not been reported in the literature or in a large population database (gnomAD), indicating it is rare. It has conflicting interpretations in ClinVar ranging from likely benign to uncertain (Variation ID: 575727). At this time, the clinical significance of this variant is uncertain due to the absence of conclusive functional and genetic evidence.

Labcorp Genetics (formerly Invitae), Labcorp
Classification: Uncertain significance for Gorlin syndrome. Last evaluated: 2025-11-09. Review status: criteria provided, single submitter. Criteria: Invitae Variant Classification Sherloc (09022015). Collection method: clinical testing. Allele origin: germline.
Comment: This sequence change replaces threonine, which is neutral and polar, with methionine, which is neutral and non-polar, at codon 654 of the PTCH1 protein (p.Thr654Met). This variant is present in population databases (rs746898855, gnomAD 0.006%). This variant has not been reported in the literature in individuals affected with PTCH1-related conditions. ClinVar contains an entry for this variant (Variation ID: 575727). Invitae Evidence Modeling of protein sequence and biophysical properties (such as structural, functional, and spatial information, amino acid conservation, physicochemical variation, residue mobility, and thermodynamic stability) has been performed for this missense variant. However, the output from this modeling did not meet the statistical confidence thresholds required to predict the impact of this variant on PTCH1 protein function. In summary, the available evidence is currently insufficient to determine the role of this variant in disease. Therefore, it has been classified as a Variant of Uncertain Significance.

Ambry Genetics
Classification: Likely benign for Hereditary cancer-predisposing syndrome. Last evaluated: 2024-02-20. Review status: criteria provided, single submitter. Criteria: Ambry Variant Classification Scheme 2023. Collection method: clinical testing. Allele origin: germline.

Baylor Genetics
Classification: Uncertain significance for Basal cell carcinoma, susceptibility to, 1. Last evaluated: 2023-06-30. Review status: criteria provided, single submitter. Criteria: ACMG Guidelines, 2015. Collection method: clinical testing. Allele origin: unknown.